The following is an entry in ClinVar:

NM_001330260.2(SCN8A):c.2069C>T (p.Ser690Phe)

Gene: SCN8A (sodium voltage-gated channel alpha subunit 8; plus strand). Cytogenetic location: 12q13.13.
Variant type: single nucleotide variant.
Coding change: c.2069C>T on transcript NM_001330260.2 (MANE Select); coding-DNA position 2069, C replaced by T.
Protein change: p.Ser690Phe; replaces serine 690 with phenylalanine.
Molecular consequence: missense variant.
Genome position (GRCh38, 1-based): chr12:51,745,973, C>T. VCF-style: chr12-51745973-C-T. GRCh37 (hg19) VCF-style: chr12-52139757-C-T.
Other names: c.2069C>T, p.Ser690Phe (NM_001177984.3, NM_001369788.1, NM_014191.4); short protein forms S690F.
Identifiers: ClinVar variation 2124698 (VCV002124698.4), dbSNP rs2540232150, ClinGen allele CA384878709.
Genomic context (GRCh38, chr12:51,745,973, plus strand): 5'-AGGTGGAAATTAAGAAGAAAGGCCCTGGATCTCTTTTAGTTTCCATGGACCAATTAGCCT[C>T]CTACGGGCGGAAGGACAGAATCAACAGTATAATGAGTGTTGTTACAAATACACTAGTAGA-3'
Protein context (NP_001317189.1, residues 680-700): SLLVSMDQLA[Ser690Phe]YGRKDRINSI

ClinVar aggregate classification (germline): Uncertain significance (1 of 4 stars; one submission).

Conditions:
Early-infantile DEE. Also called: Early infantile epileptic encephalopathy; Ohtahara syndrome; Early infantile epileptic encephalopathy with suppression bursts. Identifiers: Orphanet 1934, MedGen C0393706, MONDO:0800491.

Submission:

Labcorp Genetics (formerly Invitae), Labcorp
Classification: Uncertain significance for Early-infantile DEE. Last evaluated: 2023-08-10. Review status: criteria provided, single submitter. Criteria: Invitae Variant Classification Sherloc (09022015). Collection method: clinical testing. Allele origin: germline.
Comment: In summary, the available evidence is currently insufficient to determine the role of this variant in disease. Therefore, it has been classified as a Variant of Uncertain Significance. Advanced modeling of protein sequence and biophysical properties (such as structural, functional, and spatial information, amino acid conservation, physicochemical variation, residue mobility, and thermodynamic stability) performed at Invitae indicates that this missense variant is not expected to disrupt SCN8A protein function. ClinVar contains an entry for this variant (Variation ID: 2124698). This variant has not been reported in the literature in individuals affected with SCN8A-related conditions. This variant is not present in population databases (gnomAD no frequency). This sequence change replaces serine, which is neutral and polar, with phenylalanine, which is neutral and non-polar, at codon 690 of the SCN8A protein (p.Ser690Phe).